The following is an entry in ClinVar:

NM_003647.3(DGKE):c.233C>G (p.Ala78Gly)

Gene: DGKE (diacylglycerol kinase epsilon; plus strand). Cytogenetic location: 17q22.
Variant type: single nucleotide variant.
Coding change: c.233C>G on transcript NM_003647.3 (MANE Select); coding-DNA position 233, C replaced by G.
Protein change: p.Ala78Gly; replaces alanine 78 with glycine.
Molecular consequence: missense variant.
Genome position (GRCh38, 1-based): chr17:56,835,028, C>G. VCF-style: chr17-56835028-C-G. GRCh37 (hg19) VCF-style: chr17-54912389-C-G.
Other names: short protein forms A78G.
Identifiers: ClinVar variation 992474 (VCV000992474.8), dbSNP rs775804689, ClinGen allele CA399921555.

ClinVar aggregate classification (germline): Uncertain significance. Review status: criteria provided, multiple submitters, no conflicts (2 of 4 stars). 4 submissions from 4 submitters: Uncertain significance (4). Last evaluated 2024-06-09.

Conditions:
Immunoglobulin-mediated membranoproliferative glomerulonephritis. Also called: NEPHROTIC SYNDROME, TYPE 7, WITH MEMBRANOPROLIFERATIVE GLOMERULONEPHRITIS; Nephrotic syndrome, type 7. Identifiers: Orphanet 329903, MedGen C3554330, MONDO:0014005, OMIM 615008.

Submissions (4):

Labcorp Genetics (formerly Invitae), Labcorp
Classification: Uncertain significance. Last evaluated: 2024-06-09. Review status: criteria provided, single submitter. Criteria: Invitae Variant Classification Sherloc (09022015). Collection method: clinical testing. Allele origin: germline.
Comment: This sequence change replaces alanine, which is neutral and non-polar, with glycine, which is neutral and non-polar, at codon 78 of the DGKE protein (p.Ala78Gly). This variant is present in population databases (no rsID available, gnomAD 0.01%). This variant has not been reported in the literature in individuals affected with DGKE-related conditions. ClinVar contains an entry for this variant (Variation ID: 992474). Advanced modeling of protein sequence and biophysical properties (such as structural, functional, and spatial information, amino acid conservation, physicochemical variation, residue mobility, and thermodynamic stability) performed at Invitae indicates that this missense variant is not expected to disrupt DGKE protein function with a negative predictive value of 80%. In summary, the available evidence is currently insufficient to determine the role of this variant in disease. Therefore, it has been classified as a Variant of Uncertain Significance.

Fulgent Genetics
Classification: Uncertain significance for Immunoglobulin-mediated membranoproliferative glomerulonephritis. Last evaluated: 2022-02-26. Review status: criteria provided, single submitter. Criteria: ACMG Guidelines, 2015. Collection method: clinical testing. Allele origin: unknown.

Women's Health and Genetics/Laboratory Corporation of America, LabCorp
Classification: Uncertain significance. Last evaluated: 2020-12-17. Review status: criteria provided, single submitter. Criteria: LabCorp Variant Classification Summary - May 2015. Collection method: clinical testing. Allele origin: germline.
Comment: Variant summary: DGKE c.233C>G (p.Ala78Gly) results in a non-conservative amino acid change located in the Protein kinase C-like, phorbol ester/diacylglycerol-binding domain (IPR002219) of the encoded protein sequence. Four of five in-silico tools predict a benign effect of the variant on protein function. The variant allele was found at a frequency of 2e-05 in 249234 control chromosomes (gnomAD). The available data on variant occurrences in the general population are insufficient to allow any conclusion about variant significance. To our knowledge, no occurrence of c.233C>G in individuals affected with Nephrotic Syndrome, Type 7 and no experimental evidence demonstrating its impact on protein function have been reported. No clinical diagnostic laboratories have submitted clinical-significance assessments for this variant to ClinVar after 2014. Based on the evidence outlined above, the variant was classified as uncertain significance.

Genetic Services Laboratory, University of Chicago
Classification: Uncertain significance. Last evaluated: 2019-03-07. Review status: criteria provided, single submitter. Criteria: ACMG Guidelines, 2015. Collection method: clinical testing. Allele origin: germline. Affected: no.